The following is an entry in ClinVar:

ClinVar aggregate classification (germline): Likely pathogenic (1 of 4 stars; one submission).

Conditions:
ITGB4-related disorder. Also called: ITGB4-related condition.

gnomAD v4.1: 1 of 1,613,666 alleles (0.000062%); highest among the groups gnomAD compares: East Asian, 0.0022%; no homozygotes.

Submission:

PreventionGenetics, part of Exact Sciences
Classification: Likely pathogenic for ITGB4-related condition. Last evaluated: 2025-08-21. Review status: criteria provided, single submitter. Criteria: ACMG Guidelines, 2015. Collection method: clinical testing. Allele origin: germline.
Comment: The ITGB4 c.1081G>T variant is predicted to result in premature protein termination (p.Glu361*). To our knowledge, this variant has not been reported in the literature or in a large population database (gnomAD), indicating this variant is rare. Nonsense variants in ITGB4 are expected to be pathogenic. This variant is interpreted as likely pathogenic.

NM_000213.5(ITGB4):c.1081G>T (p.Glu361Ter)

Gene: ITGB4 (integrin subunit beta 4; plus strand). Cytogenetic location: 17q25.1.
Variant type: single nucleotide variant.
Coding change: c.1081G>T on transcript NM_000213.5 (MANE Select); coding-DNA position 1081, G replaced by T.
Protein change: p.Glu361Ter; replaces glutamic acid 361 with a stop codon.
Molecular consequence: nonsense.
Genome position (GRCh38, 1-based): chr17:75,730,953, G>T. VCF-style: chr17-75730953-G-T. GRCh37 (hg19) VCF-style: chr17-73727034-G-T.
Other names: c.1081G>T, p.Glu361Ter (NM_001005619.2, NM_001005731.3, NM_001321123.2 and 1 more transcripts); short protein forms E361*.
Identifiers: ClinVar variation 5002456 (VCV005002456.1).